The following is an entry in ClinVar:

ClinVar aggregate classification (germline): Uncertain significance (1 of 4 stars; one submission).

Allele frequency attached by ClinVar (database versions not stated): ExAC 0.00001; gnomAD 0.00002; TOPMed 0.00002.

Submission:

Labcorp Genetics (formerly Invitae), Labcorp
Classification: Uncertain significance. Last evaluated: 2022-12-27. Review status: criteria provided, single submitter. Criteria: Invitae Variant Classification Sherloc (09022015). Collection method: clinical testing. Allele origin: germline.
Comment: This sequence change replaces valine, which is neutral and non-polar, with isoleucine, which is neutral and non-polar, at codon 479 of the IL2RB protein (p.Val479Ile). This variant is present in population databases (rs778441020, gnomAD 0.01%). This variant has not been reported in the literature in individuals affected with IL2RB-related conditions. Algorithms developed to predict the effect of missense changes on protein structure and function (SIFT, PolyPhen-2, Align-GVGD) all suggest that this variant is likely to be tolerated. In summary, the available evidence is currently insufficient to determine the role of this variant in disease. Therefore, it has been classified as a Variant of Uncertain Significance.

NM_000878.5(IL2RB):c.1435G>A (p.Val479Ile)

Gene: IL2RB (interleukin 2 receptor subunit beta; minus strand). Cytogenetic location: 22q12.3.
Variant type: single nucleotide variant.
Coding change: c.1435G>A on transcript NM_000878.5 (MANE Select); coding-DNA position 1435, G replaced by A.
Protein change: p.Val479Ile; replaces valine 479 with isoleucine.
Molecular consequence: missense variant.
Genome position (GRCh38, 1-based): chr22:37,128,317, C>T on the plus strand (G>A on the coding strand, the complement: IL2RB is on the minus strand). VCF-style: chr22-37128317-C-T. GRCh37 (hg19) VCF-style: chr22-37524357-C-T.
Other names: c.1435G>A, p.Val479Ile (NM_001346222.1, NM_001346223.2); short protein forms V479I.
Identifiers: ClinVar variation 3001998 (VCV003001998.3), dbSNP rs778441020, ClinGen allele CA10216325.